The following is an entry in ClinVar:

ClinVar aggregate classification (germline): Benign. Review status: criteria provided, multiple submitters, no conflicts (2 of 4 stars). 3 submissions from 3 submitters: Benign (3). Last evaluated 2018-06-23.

Conditions:
Charcot-Marie-Tooth disease type 4D. Also called: CHARCOT-MARIE-TOOTH DISEASE, DEMYELINATING, AUTOSOMAL RECESSIVE, TYPE 4D; NEUROPATHY, HEREDITARY MOTOR AND SENSORY, LOM TYPE; Charcot-Marie-Tooth Neuropathy Type 4D; CHARCOT-MARIE-TOOTH DISEASE, DEMYELINATING, TYPE 4D. Identifiers: Orphanet 99950, MedGen C1832334, MONDO:0011085, OMIM 601455.

Allele frequency attached by ClinVar (database versions not stated): gnomAD exomes 0.01190; 1000 Genomes Project 30x 0.01889; 1000 Genomes Project 0.01957; TOPMed 0.02560.
gnomAD v4.1: 4,260 of 152,338 alleles (2.8%); highest among the groups gnomAD compares: Non-Finnish European, 4.2%; 90 homozygotes.

Submissions (3):

GeneDx
Classification: Benign. Last evaluated: 2018-06-23. Review status: criteria provided, single submitter. Criteria: GeneDx Variant Classification Process June 2021. Collection method: clinical testing. Allele origin: germline. Affected: yes.

Illumina Laboratory Services, Illumina
Classification: Benign for Charcot-Marie-Tooth disease type 4D. Last evaluated: 2018-01-13. Review status: criteria provided, single submitter. Criteria: ICSL Variant Classification Criteria 13 December 2019. Collection method: clinical testing. Allele origin: germline.
Comment: This variant was observed in the ICSL laboratory as part of a predisposition screen in an ostensibly healthy population. It had not been previously curated by ICSL or reported in the Human Gene Mutation Database (HGMD: prior to June 1st, 2018), and was therefore a candidate for classification through an automated scoring system. Utilizing variant allele frequency, disease prevalence and penetrance estimates, and inheritance mode, an automated score was calculated to assess if this variant is too frequent to cause the disease. Based on the score and internal cut-off values, a variant classified as benign is not then subjected to further curation. The score for this variant resulted in a classification of benign for this disease.

Breakthrough Genomics
Classification: Benign. Review status: criteria provided, single submitter. Criteria: ACMG Guidelines, 2015. Collection method: not provided. Allele origin: germline. Inheritance: Autosomal recessive inheritance. Affected: yes.

NM_006096.4(NDRG1):c.-120C>T

Genes: NDRG1 (N-myc downstream regulated 1; minus strand), LOC130001213 (ATAC-STARR-seq lymphoblastoid silent region 19562; plus strand). Cytogenetic location: 8q24.22.
Variant type: single nucleotide variant.
Coding change: c.-120C>T on transcript NM_006096.4 (MANE Select); 120 bases upstream of the start codon, C replaced by T.
Molecular consequence: 5 prime UTR variant.
Genome position (GRCh38, 1-based): chr8:133,297,235, G>A on the plus strand (C>T on the coding strand, the complement: NDRG1 is on the minus strand). VCF-style: chr8-133297235-G-A. GRCh37 (hg19) VCF-style: chr8-134309478-G-A.
Other names: c.-517C>T (NM_001135242.2); c.-201C>T (NM_001258432.2); c.-257C>T (NM_001258433.2); c.-120C>T (NM_001374844.1); c.-237C>T (NM_001374847.1).
Identifiers: ClinVar variation 362045 (VCV000362045.7), dbSNP rs11575971, ClinGen allele CA10630335.
Genomic context (GRCh38, chr8:133,297,235, plus strand): 5'-GGCCCAGCGCCCCGCGGAAGCCGAGGGCGGATGGTGAACTGACGAGCTTCAGCACCAGCT[G>A]GGAGCCAGGCGAGGTTTGTTTACGTCCGGGCGGAGGGCGACTTTATAGGCGCCGCGGCCC-3'